The following is an entry in ClinVar:

ClinVar aggregate classification (germline): Uncertain significance. Review status: criteria provided, multiple submitters, no conflicts (2 of 4 stars). 4 submissions from 4 submitters: Uncertain significance (4). Last evaluated 2026-08-25.

Conditions:
Meckel-Gruber syndrome. Also called: DYSENCEPHALIA SPLANCHNOCYSTICA; GRUBER SYNDROME; Dysencephalia splachnocystica. Identifiers: Orphanet 564, MedGen C0265215, MONDO:0018921.
Joubert syndrome. Also called: JOUBERT-BOLTSHAUSER SYNDROME; Familial aplasia of the vermis. Identifiers: Orphanet 475, MedGen C5979921, MONDO:0018772.
RPGRIP1L-related disorder. Also called: RPGRIP1L-related condition; RPGRIP1L-related disorders. Identifiers: MedGen CN239416.
Inborn genetic diseases. Identifiers: MedGen C0950123, MeSH D030342.

Allele frequency attached by ClinVar (database versions not stated): gnomAD exomes below 0.00001 and 0.00002; ExAC 0.00002; TOPMed 0.00003.
gnomAD v4.1: 6 of 1,613,536 alleles (0.00037%); highest among the groups gnomAD compares: Admixed American, 0.0083%; no homozygotes.

Submissions (4):

PreventionGenetics, part of Exact Sciences
Classification: Uncertain significance for RPGRIP1L-related condition. Last evaluated: 2026-08-25. Review status: criteria provided, single submitter. Criteria: ACMG Guidelines, 2015. Collection method: clinical testing. Allele origin: germline.
Comment: The RPGRIP1L c.2038C>T variant is predicted to result in the amino acid substitution p.Leu680Phe. To our knowledge, this variant has not been reported in the literature. This variant is reported in 0.017% of alleles in individuals of Latino descent in gnomAD. At this time, the clinical significance of this variant is uncertain due to the absence of conclusive functional and genetic evidence.

Labcorp Genetics (formerly Invitae), Labcorp
Classification: Uncertain significance for Joubert syndrome; Meckel-Gruber syndrome. Last evaluated: 2022-08-22. Review status: criteria provided, single submitter. Criteria: Invitae Variant Classification Sherloc (09022015). Collection method: clinical testing. Allele origin: germline.
Comment: This sequence change replaces leucine, which is neutral and non-polar, with phenylalanine, which is neutral and non-polar, at codon 680 of the RPGRIP1L protein (p.Leu680Phe). This variant is present in population databases (rs758370789, gnomAD 0.02%). This variant has not been reported in the literature in individuals affected with RPGRIP1L-related conditions. ClinVar contains an entry for this variant (Variation ID: 1336830). Algorithms developed to predict the effect of missense changes on protein structure and function are either unavailable or do not agree on the potential impact of this missense change (SIFT: "Deleterious"; PolyPhen-2: "Possibly Damaging"; Align-GVGD: "Class C0"). In summary, the available evidence is currently insufficient to determine the role of this variant in disease. Therefore, it has been classified as a Variant of Uncertain Significance.

Ambry Genetics
Classification: Uncertain significance for Inborn genetic diseases. Last evaluated: 2021-04-28. Review status: criteria provided, single submitter. Criteria: Ambry Variant Classification Scheme 2023. Collection method: clinical testing. Allele origin: germline.

Genetic Services Laboratory, University of Chicago
Classification: Uncertain significance. Last evaluated: 2018-08-07. Review status: criteria provided, single submitter. Criteria: ACMG Guidelines, 2015. Collection method: clinical testing. Allele origin: germline. Affected: no.

NM_015272.5(RPGRIP1L):c.2038C>T (p.Leu680Phe)

Gene: RPGRIP1L (RPGRIP1 like; minus strand). Cytogenetic location: 16q12.2.
Variant type: single nucleotide variant.
Coding change: c.2038C>T on transcript NM_015272.5 (MANE Select); coding-DNA position 2038, C replaced by T.
Protein change: p.Leu680Phe; replaces leucine 680 with phenylalanine.
Molecular consequence: missense variant.
Genome position (GRCh38, 1-based): chr16:53,652,649, G>A on the plus strand (C>T on the coding strand, the complement: RPGRIP1L is on the minus strand). VCF-style: chr16-53652649-G-A. GRCh37 (hg19) VCF-style: chr16-53686561-G-A.
Other names: c.2038C>T (NM_015272.2, NM_015272.4); c.2038C>T, p.Leu680Phe (NM_001127897.4, NM_001308334.3, NM_001330538.2); short protein forms L680F.
Identifiers: ClinVar variation 1336830 (VCV001336830.11), dbSNP rs758370789, ClinGen allele CA8057651.
Genomic context (GRCh38, chr16:53,652,649, plus strand): 5'-ATTTTAATTGACATGCTGCAATTGTTTCATATTCTGTGCTATAAGCCTGGTGGACCTCAA[G>A]GGTGATAGTATTCTTCTGAATATATTGCAAAAATAAGTCATTAACATGAACAAGATATTG-3'
Protein context (NP_056087.2, residues 670-690): LQYIQKNTIT[Leu680Phe]EVHQAYSTEY